The following is an entry in ClinVar:

NM_017636.4(TRPM4):c.1817C>G (p.Ala606Gly)

Gene: TRPM4 (transient receptor potential cation channel subfamily M member 4; plus strand). Cytogenetic location: 19q13.33.
Variant type: single nucleotide variant.
Coding change: c.1817C>G on transcript NM_017636.4 (MANE Select); coding-DNA position 1817, C replaced by G.
Protein change: p.Ala606Gly; replaces alanine 606 with glycine.
Molecular consequence: missense variant.
Genome position (GRCh38, 1-based): chr19:49,188,714, C>G. VCF-style: chr19-49188714-C-G. GRCh37 (hg19) VCF-style: chr19-49691971-C-G.
Other names: c.1817C>G, p.Ala606Gly (NM_001195227.2); c.1472C>G, p.Ala491Gly (NM_001321281.2); c.209C>G, p.Ala70Gly (NM_001321282.2); c.1295C>G, p.Ala432Gly (NM_001321283.2); c.755C>G, p.Ala252Gly (NM_001321285.2); short protein forms A606G, A491G, A432G, A252G, A70G.
Identifiers: ClinVar variation 329857 (VCV000329857.13), dbSNP rs771088249, ClinGen allele CA9569330.

ClinVar aggregate classification (germline): Uncertain significance. Review status: criteria provided, multiple submitters, no conflicts (2 of 4 stars). 4 submissions from 4 submitters: Uncertain significance (4). Last evaluated 2025-12-20.

Conditions:
Erythrokeratodermia variabilis et progressiva 6. Identifiers: MedGen C5193144, MONDO:0032801, OMIM 618531.
Progressive familial heart block type IB (PFHB1B). Identifiers: Orphanet 871, MedGen C1970298, MONDO:0011474, OMIM 604559.
Cardiovascular phenotype. Identifiers: MedGen CN230736.

Allele frequency attached by ClinVar (database versions not stated): gnomAD 0.00005 and 0.00006; TOPMed 0.00005; gnomAD exomes 0.00006 and 0.00008; ExAC 0.00007.
gnomAD v4.1: 129 of 1,614,088 alleles (0.008%); highest among the groups gnomAD compares: Non-Finnish European, 0.01%; no homozygotes.

Submissions (4):

Labcorp Genetics (formerly Invitae), Labcorp
Classification: Uncertain significance for Progressive familial heart block type IB. Last evaluated: 2025-12-20. Review status: criteria provided, single submitter. Criteria: Invitae Variant Classification Sherloc (09022015). Collection method: clinical testing. Allele origin: germline.
Comment: This sequence change replaces alanine, which is neutral and non-polar, with glycine, which is neutral and non-polar, at codon 606 of the TRPM4 protein (p.Ala606Gly). This variant is present in population databases (rs771088249, gnomAD 0.01%). This variant has not been reported in the literature in individuals affected with TRPM4-related conditions. ClinVar contains an entry for this variant (Variation ID: 329857). An algorithm developed to predict the effect of missense changes on protein structure and function (PolyPhen-2) suggests that this variant is likely to be disruptive. Algorithms developed to predict the effect of sequence changes on RNA splicing suggest that this variant may create or strengthen a splice site. In summary, the available evidence is currently insufficient to determine the role of this variant in disease. Therefore, it has been classified as a Variant of Uncertain Significance.

Ambry Genetics
Classification: Uncertain significance for Cardiovascular phenotype. Last evaluated: 2025-10-10. Review status: criteria provided, single submitter. Criteria: Ambry Variant Classification Scheme 2023. Collection method: clinical testing. Allele origin: germline.
Comment: The p.A606G variant (also known as c.1817C>G), located in coding exon 13 of the TRPM4 gene, results from a C to G substitution at nucleotide position 1817. The alanine at codon 606 is replaced by glycine, an amino acid with similar properties. This amino acid position is well conserved in available vertebrate species. In addition, this alteration is predicted to be tolerated by in silico analysis. Since supporting evidence is limited at this time, the clinical significance of this alteration remains unclear.

Fulgent Genetics
Classification: Uncertain significance for Progressive familial heart block type IB; Erythrokeratodermia variabilis et progressiva 6. Last evaluated: 2021-10-07. Review status: criteria provided, single submitter. Criteria: ACMG Guidelines, 2015. Collection method: clinical testing. Allele origin: unknown.

Illumina Laboratory Services, Illumina
Classification: Uncertain significance for Progressive familial heart block type IB. Last evaluated: 2018-01-12. Review status: criteria provided, single submitter. Criteria: ICSL Variant Classification Criteria 13 December 2019. Collection method: clinical testing. Allele origin: germline.